The following is an entry in ClinVar:

NM_001303256.3(MORC2):c.2708C>G (p.Thr903Ser)

Gene: MORC2 (MORC family CW-type zinc finger 2; minus strand). Cytogenetic location: 22q12.2.
Variant type: single nucleotide variant.
Coding change: c.2708C>G on transcript NM_001303256.3 (MANE Select); coding-DNA position 2708, C replaced by G.
Protein change: p.Thr903Ser; replaces threonine 903 with serine.
Molecular consequence: missense variant.
Genome position (GRCh38, 1-based): chr22:30,932,584, G>C on the plus strand (C>G on the coding strand, the complement: MORC2 is on the minus strand). VCF-style: chr22-30932584-G-C. GRCh37 (hg19) VCF-style: chr22-31328571-G-C.
Other names: c.2708C>G, p.Thr903Ser (NM_001303257.2); c.2522C>G, p.Thr841Ser (NM_014941.3); short protein forms T841S, T903S.
Identifiers: ClinVar variation 1057504 (VCV001057504.7), dbSNP rs762499940, ClinGen allele CA10186585.

ClinVar aggregate classification (germline): Uncertain significance (1 of 4 stars; one submission).

Conditions:
Charcot-Marie-Tooth disease axonal type 2Z. Also called: CHARCOT-MARIE-TOOTH DISEASE, AXONAL, AUTOSOMAL DOMINANT, TYPE 2Z; CHARCOT-MARIE-TOOTH NEUROPATHY, TYPE 2Z. Identifiers: Orphanet 466768, MedGen C5569025, MONDO:0014736, OMIM 616688.

Allele frequency attached by ClinVar (database versions not stated): TOPMed below 0.00001; gnomAD exomes 0.00001; ExAC 0.00002.
gnomAD v4.1: 3 of 1,614,194 alleles (0.00019%); highest among the groups gnomAD compares: Non-Finnish European, 0.00017%; no homozygotes.

Submission:

Labcorp Genetics (formerly Invitae), Labcorp
Classification: Uncertain significance for Charcot-Marie-Tooth disease axonal type 2Z. Last evaluated: 2021-02-22. Review status: criteria provided, single submitter. Criteria: Invitae Variant Classification Sherloc (09022015). Collection method: clinical testing. Allele origin: germline.
Comment: This variant is present in population databases (rs762499940, ExAC 0.003%). This variant has not been reported in the literature in individuals with MORC2-related conditions. Advanced modeling of protein sequence and biophysical properties (such as structural, functional, and spatial information, amino acid conservation, physicochemical variation, residue mobility, and thermodynamic stability) performed at Invitae indicates that this missense variant is not expected to disrupt MORC2 protein function. In summary, the available evidence is currently insufficient to determine the role of this variant in disease. Therefore, it has been classified as a Variant of Uncertain Significance. This sequence change replaces threonine with serine at codon 903 of the MORC2 protein (p.Thr903Ser). The threonine residue is weakly conserved and there is a small physicochemical difference between threonine and serine.